The following is an entry in ClinVar:

ClinVar aggregate classification (germline): Uncertain significance (1 of 4 stars; one submission).

Conditions:
Nemaline myopathy 2 (NEM2). Also called: Nemaline myopathy 2, autosomal recessive. Identifiers: MedGen C1850569, MONDO:0009725, OMIM 256030.

Submission:

Labcorp Genetics (formerly Invitae), Labcorp
Classification: Uncertain significance for Nemaline myopathy 2. Last evaluated: 2022-04-28. Review status: criteria provided, single submitter. Criteria: Invitae Variant Classification Sherloc (09022015). Collection method: clinical testing. Allele origin: germline.
Comment: Algorithms developed to predict the effect of missense changes on protein structure and function are either unavailable or do not agree on the potential impact of this missense change (SIFT: "Deleterious"; PolyPhen-2: "Not Available"; Align-GVGD: "Class C0"). In summary, the available evidence is currently insufficient to determine the role of this variant in disease. Therefore, it has been classified as a Variant of Uncertain Significance. This variant has not been reported in the literature in individuals affected with NEB-related conditions. This variant is not present in population databases (gnomAD no frequency). This sequence change replaces glutamine, which is neutral and polar, with lysine, which is basic and polar, at codon 5598 of the NEB protein (p.Gln5598Lys).

NM_001164508.2(NEB):c.16792C>A (p.Gln5598Lys)

Gene: NEB (nebulin; minus strand). Cytogenetic location: 2q23.3.
Variant type: single nucleotide variant.
Coding change: c.16792C>A on transcript NM_001164508.2 (MANE Select); coding-DNA position 16792, C replaced by A.
Protein change: p.Gln5598Lys; replaces glutamine 5598 with lysine.
Molecular consequence: missense variant.
Genome position (GRCh38, 1-based): chr2:151,576,267, G>T on the plus strand (C>A on the coding strand, the complement: NEB is on the minus strand). VCF-style: chr2-151576267-G-T. GRCh37 (hg19) VCF-style: chr2-152432781-G-T.
Other names: c.16792C>A, p.Gln5598Lys (NM_001164507.2, NM_001271208.2); c.11689C>A, p.Gln3897Lys (NM_004543.5); short protein forms Q3897K, Q5598K.
Identifiers: ClinVar variation 2131391 (VCV002131391.4), dbSNP rs2552199740, ClinGen allele CA348810635.
Genomic context (GRCh38, chr2:151,576,267, plus strand): 5'-TGCTTGTGTACTTAAGGTTCACCACAGGCGTCCGATAGACACTGTCACAAAAGATATTCT[G>T]GGCGTTTTTGACTCTCAACACTTCAGGAGACCCTTGGGGCATCCAGCCAATGCCACGCAA-3'
Protein context (NP_001157980.2, residues 5588-5608): SPEVLRVKNA[Gln5598Lys]NIFCDSVYRT